The following is an entry in ClinVar:

ClinVar aggregate classification (germline): Uncertain significance. Review status: criteria provided, multiple submitters, no conflicts (2 of 4 stars). 2 submissions from 2 submitters: Uncertain significance (2). Last evaluated 2023-03-20.

Conditions:
Cardiovascular phenotype. Identifiers: MedGen CN230736.

Allele frequency attached by ClinVar (database versions not stated): gnomAD exomes below 0.00001; gnomAD 0.00001; TOPMed 0.00001.
gnomAD v4.1: 5 of 1,609,548 alleles (0.00031%); highest among the groups gnomAD compares: Non-Finnish European, 0.00042%; no homozygotes.

Submissions (2):

GeneDx
Classification: Uncertain significance. Last evaluated: 2023-03-20. Review status: criteria provided, single submitter. Criteria: GeneDx Variant Classification Process June 2021. Collection method: clinical testing. Allele origin: germline. Affected: yes.
Comment: Has not been previously published as pathogenic or benign to our knowledge; Not observed at significant frequency in large population cohorts (gnomAD); In silico analysis supports that this missense variant does not alter protein structure/function

Ambry Genetics
Classification: Uncertain significance for Cardiovascular phenotype. Last evaluated: 2021-07-07. Review status: criteria provided, single submitter. Criteria: Ambry Variant Classification Scheme 2023. Collection method: clinical testing. Allele origin: germline.
Comment: The p.P2509S variant (also known as c.7525C>T), located in coding exon 21 of the TNXB gene, results from a C to T substitution at nucleotide position 7525. The proline at codon 2509 is replaced by serine, an amino acid with similar properties. This amino acid position is conserved. In addition, this alteration is predicted to be tolerated by in silico analysis. Since supporting evidence is limited at this time, the clinical significance of this alteration remains unclear.

NM_001365276.2(TNXB):c.7525C>T (p.Pro2509Ser)

Gene: TNXB (tenascin XB; minus strand). Cytogenetic location: 6p21.33.
Variant type: single nucleotide variant.
Coding change: c.7525C>T on transcript NM_001365276.2 (MANE Select); coding-DNA position 7525, C replaced by T.
Protein change: p.Pro2509Ser; replaces proline 2509 with serine.
Molecular consequence: missense variant.
Genome position (GRCh38, 1-based): chr6:32,058,358, G>A on the plus strand (C>T on the coding strand, the complement: TNXB is on the minus strand). VCF-style: chr6-32058358-G-A. GRCh37 (hg19) VCF-style: chr6-32026135-G-A.
Other names: c.7525C>T, p.Pro2509Ser (NM_019105.8); short protein forms P2509S.
Identifiers: ClinVar variation 1759345 (VCV001759345.3), dbSNP rs999995239, ClinGen allele CA136906749.